The following is an entry in ClinVar:

NM_006121.4(KRT1):c.*344C>T

Gene: KRT1 (keratin 1; minus strand). Cytogenetic location: 12q13.13.
Variant type: single nucleotide variant.
Coding change: c.*344C>T on transcript NM_006121.4 (MANE Select); 344 bases downstream of the stop codon, C replaced by T.
Molecular consequence: 3 prime UTR variant.
Genome position (GRCh38, 1-based): chr12:52,674,849, G>A on the plus strand (C>T on the coding strand, the complement: KRT1 is on the minus strand). VCF-style: chr12-52674849-G-A. GRCh37 (hg19) VCF-style: chr12-53068633-G-A.
Identifiers: ClinVar variation 309632 (VCV000309632.6), dbSNP rs11170231, ClinGen allele CA10641923.

ClinVar aggregate classification (germline): Benign. Review status: criteria provided, multiple submitters, no conflicts (2 of 4 stars). 3 submissions from 2 submitters: Benign (3). Last evaluated 2018-01-13.

Conditions:
Diffuse nonepidermolytic palmoplantar keratoderma (NEPPK). Also called: Nonepidermolytic palmoplantar hyperkeratosis; Nonepidermolytic palmoplantar keratoderma. Identifiers: Orphanet 530838, MedGen C1833030, MONDO:0010962, OMIM 600962, HP:0007404.
Epidermolytic ichthyosis. Also called: Congenital bullous ichthyosiform erythroderma; Bullous ichthyosiform erythroderma; Epidermolytic Hyperkeratosis; KRT10-Related Epidermolytic Hyperkeratosis. Identifiers: Orphanet 312, MedGen C0079153, MONDO:0007239, HP:0007475.

Allele frequency attached by ClinVar (database versions not stated): 1000 Genomes Project 0.04173; 1000 Genomes Project 30x 0.04216; TOPMed 0.09288; gnomAD 0.10141 and 0.10595; gnomAD exomes 0.11950.
gnomAD v4.1: 50,675 of 446,578 alleles (11%); highest among the groups gnomAD compares: Non-Finnish European, 15%; 3,812 homozygotes.

Submissions (3):

Illumina Laboratory Services, Illumina
Classification: Benign for Epidermolytic hyperkeratosis 1. Last evaluated: 2018-01-13. Review status: criteria provided, single submitter. Criteria: ICSL Variant Classification Criteria 13 December 2019. Collection method: clinical testing. Allele origin: germline.
Comment: This variant was observed in the ICSL laboratory as part of a predisposition screen in an ostensibly healthy population. It had not been previously curated by ICSL or reported in the Human Gene Mutation Database (HGMD: prior to June 1st, 2018), and was therefore a candidate for classification through an automated scoring system. Utilizing variant allele frequency, disease prevalence and penetrance estimates, and inheritance mode, an automated score was calculated to assess if this variant is too frequent to cause the disease. Based on the score and internal cut-off values, a variant classified as benign is not then subjected to further curation. The score for this variant resulted in a classification of benign for this disease.

Illumina Laboratory Services, Illumina
Classification: Benign for Diffuse nonepidermolytic palmoplantar keratoderma. Last evaluated: 2018-01-13. Review status: criteria provided, single submitter. Criteria: ICSL Variant Classification Criteria 13 December 2019. Collection method: clinical testing. Allele origin: germline.
Comment: the same text as in the submission from Illumina Laboratory Services, Illumina above.

Breakthrough Genomics
Classification: Benign. Review status: criteria provided, single submitter. Criteria: ACMG Guidelines, 2015. Collection method: not provided. Allele origin: germline. Inheritance: Autosomal dominant inheritance. Affected: yes.